The following is an entry in ClinVar:

NM_058216.3(RAD51C):c.236C>T (p.Ser79Phe)

Gene: RAD51C (RAD51 paralog C; plus strand). Cytogenetic location: 17q22.
Variant type: single nucleotide variant.
Coding change: c.236C>T on transcript NM_058216.3 (MANE Select); coding-DNA position 236, C replaced by T.
Protein change: p.Ser79Phe; replaces serine 79 with phenylalanine.
Molecular consequence: missense variant. On other transcripts: non-coding transcript variant (2).
Genome position (GRCh38, 1-based): chr17:58,695,021, C>T. VCF-style: chr17-58695021-C-T. GRCh37 (hg19) VCF-style: chr17-56772382-C-T.
Other names: c.236C>T, p.Ser79Phe (NM_002876.4); short protein forms S79F.
Identifiers: ClinVar variation 478546 (VCV000478546.13), dbSNP rs1555593569, ClinGen allele CA400340273.

ClinVar aggregate classification (germline): Conflicting classifications of pathogenicity. Review status: criteria provided, conflicting classifications (1 of 4 stars). 3 submissions from 3 submitters: Uncertain significance (2); Likely benign (1). Last evaluated 2024-05-15.

Conditions:
Hereditary cancer-predisposing syndrome. Also called: Tumor predisposition; Neoplastic Syndromes, Hereditary; Hereditary Cancer Syndrome; Hereditary neoplastic syndrome. Identifiers: Orphanet 140162, MedGen C0027672, MeSH D009386, MONDO:0015356.
Fanconi anemia complementation group O. Also called: RAD51C-Related Fanconi Anemia. Identifiers: Orphanet 84, MedGen C3150653, MONDO:0013248, OMIM 613390.

Allele frequency attached by ClinVar (database versions not stated): gnomAD exomes below 0.00001.
gnomAD v4.1: 2 of 1,613,994 alleles (0.00012%); highest among the groups gnomAD compares: Non-Finnish European, 0.000085%; no homozygotes.

Submissions (3):

Ambry Genetics
Classification: Likely benign for Hereditary cancer-predisposing syndrome. Last evaluated: 2024-05-15. Review status: criteria provided, single submitter. Criteria: Ambry Variant Classification Scheme 2023. Collection method: clinical testing. Allele origin: germline.

Labcorp Genetics (formerly Invitae), Labcorp
Classification: Uncertain significance for Fanconi anemia complementation group O. Last evaluated: 2023-10-27. Review status: criteria provided, single submitter. Criteria: Invitae Variant Classification Sherloc (09022015). Collection method: clinical testing. Allele origin: germline.
Comment: This sequence change replaces serine, which is neutral and polar, with phenylalanine, which is neutral and non-polar, at codon 79 of the RAD51C protein (p.Ser79Phe). This variant is not present in population databases (gnomAD no frequency). This variant has not been reported in the literature in individuals affected with RAD51C-related conditions. ClinVar contains an entry for this variant (Variation ID: 478546). An algorithm developed to predict the effect of missense changes on protein structure and function (PolyPhen-2) suggests that this variant is likely to be disruptive. In summary, the available evidence is currently insufficient to determine the role of this variant in disease. Therefore, it has been classified as a Variant of Uncertain Significance.

GeneDx
Classification: Uncertain significance. Last evaluated: 2020-06-19. Review status: criteria provided, single submitter. Criteria: GeneDx Variant Classification Process June 2021. Collection method: clinical testing. Allele origin: germline. Affected: yes.
Comment: Not observed in large population cohorts (Lek 2016); In silico analysis supports that this missense variant has a deleterious effect on protein structure/function; Has not been previously published as pathogenic or benign to our knowledge